The following is an entry in ClinVar:

NM_004393.6(DAG1):c.1489C>G (p.Pro497Ala)

Gene: DAG1 (dystroglycan 1; plus strand). Cytogenetic location: 3p21.31.
Variant type: single nucleotide variant.
Coding change: c.1489C>G on transcript NM_004393.6 (MANE Select); coding-DNA position 1489, C replaced by G.
Protein change: p.Pro497Ala; replaces proline 497 with alanine.
Molecular consequence: missense variant.
Genome position (GRCh38, 1-based): chr3:49,532,000, C>G. VCF-style: chr3-49532000-C-G. GRCh37 (hg19) VCF-style: chr3-49569433-C-G.
Other names: c.1489C>G, p.Pro497Ala (NM_001177640.3, NM_001177641.3, NM_001177642.3 and 9 more transcripts); short protein forms P497A.
Identifiers: ClinVar variation 539130 (VCV000539130.7), dbSNP rs376508721, ClinGen allele CA352795481.

ClinVar aggregate classification (germline): Uncertain significance (1 of 4 stars; one submission).

Conditions:
Autosomal recessive limb-girdle muscular dystrophy type 2P. Also called: MUSCULAR DYSTROPHY, LIMB-GIRDLE, TYPE 2P; Limb-Girdle Muscular Dystrophy Type 9C; MUSCULAR DYSTROPHY-DYSTROGLYCANOPATHY, LIMB-GIRDLE, DAG1-RELATED. Identifiers: Orphanet 280333, MedGen C4511963, MONDO:0013440, OMIM 613818.
Muscular dystrophy-dystroglycanopathy (congenital with brain and eye anomalies), type A9. Also called: WALKER-WARBURG SYNDROME OR MUSCLE-EYE BRAIN DISEASE, DAG1-RELATED; Muscular dystrophy-dystroglycanopathy (congenital with brain and eye anomalies), type a, 9. Identifiers: Orphanet 370997, Orphanet 899, MedGen C4225291, MONDO:0014683, OMIM 616538.

Submission:

Labcorp Genetics (formerly Invitae), Labcorp
Classification: Uncertain significance for Autosomal recessive limb-girdle muscular dystrophy type 2P; Muscular dystrophy-dystroglycanopathy (congenital with brain and eye anomalies), type A9. Last evaluated: 2025-08-20. Review status: criteria provided, single submitter. Criteria: Invitae Variant Classification Sherloc (09022015). Collection method: clinical testing. Allele origin: germline.
Comment: This sequence change replaces proline, which is neutral and non-polar, with alanine, which is neutral and non-polar, at codon 497 of the DAG1 protein (p.Pro497Ala). This variant is not present in population databases (gnomAD no frequency). This missense change has been observed in individual(s) with neuromuscular disease (internal data). In at least one individual the data is consistent with being in trans (on the opposite chromosome) from a pathogenic variant. ClinVar contains an entry for this variant (Variation ID: 539130). Invitae Evidence Modeling of protein sequence and biophysical properties (such as structural, functional, and spatial information, amino acid conservation, physicochemical variation, residue mobility, and thermodynamic stability) indicates that this missense variant is expected to disrupt DAG1 protein function with a positive predictive value of 80%. In summary, the available evidence is currently insufficient to determine the role of this variant in disease. Therefore, it has been classified as a Variant of Uncertain Significance.